The following is an entry in ClinVar:

ClinVar aggregate classification (germline): Uncertain significance (1 of 4 stars; one submission).

Conditions:
Muscular dystrophy-dystroglycanopathy (congenital with impaired intellectual development), type B, 2. Also called: MUSCULAR DYSTROPHY, CONGENITAL, POMT2-RELATED; Muscular dystrophy-dystroglycanopathy (congenital with intellectual disability), type B2. Identifiers: MedGen C3150416, MONDO:0013160, OMIM 613156.
Muscular dystrophy-dystroglycanopathy (congenital with brain and eye anomalies), type A2. Also called: MUSCULAR DYSTROPHY-DYSTROGLYCANOPATHY (CONGENITAL WITH BRAIN AND EYE ANOMALIES), TYPE A, 2; WALKER-WARBURG SYNDROME OR MUSCLE-EYE-BRAIN DISEASE, POMT2-RELATED. Identifiers: Orphanet 588, Orphanet 899, MedGen C3150411, MONDO:0013154, OMIM 613150.
Autosomal recessive limb-girdle muscular dystrophy type 2N. Also called: MUSCULAR DYSTROPHY-DYSTROGLYCANOPATHY, LIMB-GIRDLE, POMT2-RELATED; Muscular dystrophy-dystroglycanopathy (limb-girdle), type C, 2. Identifiers: Orphanet 206559, MedGen C3150418, MONDO:0013162, OMIM 613158.

gnomAD v4.1: 6 of 1,614,130 alleles (0.00037%); highest among the groups gnomAD compares: Non-Finnish European, 0.00051%; no homozygotes.

Submission:

Labcorp Genetics (formerly Invitae), Labcorp
Classification: Uncertain significance for Muscular dystrophy-dystroglycanopathy (congenital with impaired intellectual development), type B, 2; Muscular dystrophy-dystroglycanopathy (congenital with brain and eye anomalies), type A2; Autosomal recessive limb-girdle muscular dystrophy type 2N. Last evaluated: 2022-07-05. Review status: criteria provided, single submitter. Criteria: Invitae Variant Classification Sherloc (09022015). Collection method: clinical testing. Allele origin: germline.
Comment: In summary, the available evidence is currently insufficient to determine the role of this variant in disease. Therefore, it has been classified as a Variant of Uncertain Significance. Algorithms developed to predict the effect of missense changes on protein structure and function (SIFT, PolyPhen-2, Align-GVGD) all suggest that this variant is likely to be disruptive. This variant has not been reported in the literature in individuals affected with POMT2-related conditions. This variant is not present in population databases (gnomAD no frequency). This sequence change replaces arginine, which is basic and polar, with glycine, which is neutral and non-polar, at codon 282 of the POMT2 protein (p.Arg282Gly).

NM_013382.7(POMT2):c.844C>G (p.Arg282Gly)

Gene: POMT2 (protein O-mannosyltransferase 2; minus strand). Cytogenetic location: 14q24.3.
Variant type: single nucleotide variant.
Coding change: c.844C>G on transcript NM_013382.7 (MANE Select); coding-DNA position 844, C replaced by G.
Protein change: p.Arg282Gly; replaces arginine 282 with glycine.
Molecular consequence: missense variant.
Genome position (GRCh38, 1-based): chr14:77,299,534, G>C on the plus strand (C>G on the coding strand, the complement: POMT2 is on the minus strand). VCF-style: chr14-77299534-G-C. GRCh37 (hg19) VCF-style: chr14-77765877-G-C.
Other names: short protein forms R282G.
Identifiers: ClinVar variation 1988690 (VCV001988690.4), dbSNP rs200204831, ClinGen allele CA390520004.